The following is an entry in ClinVar:

ClinVar aggregate classification (germline): Pathogenic/Likely pathogenic. Review status: criteria provided, multiple submitters, no conflicts (2 of 4 stars). 10 submissions from 10 submitters: Pathogenic (5); Likely pathogenic (3). 2 of the submissions do not count toward it. Last evaluated 2025-03-24.

Conditions:
Lamellar ichthyosis. Identifiers: Orphanet 313, MedGen C5848247, MONDO:0017778.
Autosomal recessive congenital ichthyosis 1 (LI1). Also called: ICHTHYOSIS CONGENITA; ICHTHYOSIS CONGENITA II; LAMELLAR EXFOLIATION OF NEWBORN; ICHTHYOSIS, CONGENITAL, AUTOSOMAL RECESSIVE 1, WITH BATHING SUIT DISTRIBUTION; ICHTHYOSIS, CONGENITAL, AUTOSOMAL RECESSIVE 1, WITH OR WITHOUT BATHING SUIT DISTRIBUTION; COLLODION FETUS. Identifiers: MedGen C4551630, MONDO:0009441, OMIM 242300.
Congenital ichthyosiform erythroderma. Identifiers: MedGen C0079583, HP:0007431.

Allele frequency attached by ClinVar (database versions not stated): gnomAD 0.00001; gnomAD exomes 0.00001; TOPMed 0.00008; ExAC 0.00001.
gnomAD v4.1: 22 of 1,614,082 alleles (0.0014%); highest among the groups gnomAD compares: African/African-American, 0.0027%; no homozygotes.

Submissions (10):

Natera, Inc.
Classification: Pathogenic for Autosomal recessive congenital ichthyosis type 1. Last evaluated: 2025-03-24. Review status: criteria provided, single submitter. Criteria: Natera Variant Classification Schema (03/2026). Collection method: clinical testing. Allele origin: germline.
Comment: The c.652G>A variant in TGM1 is a missense variant predicted to cause substitution of glycine to serine at amino acid 218. This variant is rare in the general population with a frequency below the threshold expected for the associated phenotype(s). This variant has been observed in one or more individuals affected with the associated recessive disease, as either homozygous or compound heterozygous with a second variant (PMID: 30578701, 26594337, 28403434, 34671977, 9326318). Additionally, this variant has been observed to segregate in affected family members (PMID: 26594337). Computational prediction algorithms indicate this variant is likely to affect gene or protein function. Given the available evidence, this variant is classified as Pathogenic.

Labcorp Genetics (formerly Invitae), Labcorp
Classification: Pathogenic. Last evaluated: 2025-02-23. Review status: criteria provided, single submitter. Criteria: Invitae Variant Classification Sherloc (09022015). Collection method: clinical testing. Allele origin: germline.
Comment: This sequence change replaces glycine, which is neutral and non-polar, with serine, which is neutral and polar, at codon 218 of the TGM1 protein (p.Gly218Ser). This variant is present in population databases (rs121918732, gnomAD 0.006%). This missense change has been observed in individuals with ichthyosis (PMID: 9326318, 26594337, 28403434, 31631373). It has also been observed to segregate with disease in related individuals. This variant is also known as p.Gly217Ser. ClinVar contains an entry for this variant (Variation ID: 12500). Invitae Evidence Modeling of protein sequence and biophysical properties (such as structural, functional, and spatial information, amino acid conservation, physicochemical variation, residue mobility, and thermodynamic stability) indicates that this missense variant is expected to disrupt TGM1 protein function with a positive predictive value of 95%. For these reasons, this variant has been classified as Pathogenic.

Revvity Omics, Revvity
Classification: Pathogenic for Autosomal recessive congenital ichthyosis 1. Last evaluated: 2025-01-27. Review status: criteria provided, single submitter. Criteria: ACMG Guidelines, 2015. Collection method: clinical testing. Allele origin: germline.

Women's Health and Genetics/Laboratory Corporation of America, LabCorp
Classification: Pathogenic for Lamellar ichthyosis. Last evaluated: 2023-04-24. Review status: criteria provided, single submitter. Criteria: LabCorp Variant Classification Summary - May 2015. Collection method: clinical testing. Allele origin: germline.
Comment: Variant summary: TGM1 c.652G>A (p.Gly218Ser) results in a non-conservative amino acid change located in the N-terminal domain (IPR001102) of the encoded protein sequence. Five of five in-silico tools predict a damaging effect of the variant on protein function. The variant allele was found at a frequency of 1.2e-05 in 251490 control chromosomes. c.652G>A (aka. Gly-217-Ser) has been reported in the literature in multiple individuals affected with Ichthyosis (e.g. Laiho_1999, Gupta_2015, Marukian_2017, Hake_2022). These data indicate that the variant is very likely to be associated with disease. To our knowledge, no experimental evidence demonstrating an impact on protein function has been reported. Four clinical diagnostic laboratories have submitted clinical-significance assessments for this variant to ClinVar after 2014, and all laboratories classified the variant as pathogenic/likely pathogenic. Based on the evidence outlined above, the variant was classified as pathogenic.

GeneDx
Classification: Likely pathogenic. Last evaluated: 2020-09-03. Review status: criteria provided, single submitter. Criteria: GeneDx Variant Classification Process June 2021. Collection method: clinical testing. Allele origin: germline. Affected: yes.
Comment: Not observed at a significant frequency in large population cohorts (Lek et al., 2016); In silico analysis supports that this missense variant has a deleterious effect on protein structure/function; This variant is associated with the following publications: (PMID: 31631373, 28403434, 26594337, 9326318)

Equipe Genetique des Anomalies du Developpement, Université de Bourgogne
Classification: Pathogenic for Congenital ichthyosiform erythroderma. Review status: criteria provided, single submitter. Criteria: ACMG Guidelines, 2015. Collection method: clinical testing. Allele origin: maternal. Affected: yes.

Genome-Nilou Lab
Classification: Likely pathogenic for Autosomal recessive congenital ichthyosis 1. Review status: criteria provided, single submitter. Criteria: ACMG Guidelines, 2015. Collection method: clinical testing. Allele origin: germline.

Neuberg Centre For Genomic Medicine, NCGM
Classification: Likely pathogenic for Autosomal recessive congenital ichthyosis 1. Review status: criteria provided, single submitter. Criteria: ACMG Guidelines, 2015. Collection method: clinical testing. Allele origin: germline. Inheritance: Autosomal recessive inheritance. Affected: yes.
Comment: The missene variant c.652G>A (p.Gly218Ser) in TGM1 gene has been previously reported in homozygous and compound heterozygous state in individuals affected with non-syndromic ichthyosis (Gupta A. et al., 2015; Marukian NV. et al., 2017). This variant is reported with the allele frequency (0.001%) in the gnomAD and novel in 1000 genome database. It has been submitted to ClinVar as a Pathogenic/ Likely Pathogenic variant. The amino acid Glycine at position 218 is changed to a Serine changing protein sequence and it might alter its composition and physico-chemical properties. The variant is predicted to be damaging by both SIFT and PolyPhen2. The residue is conserved across species. For these reasons, this variant has been classified as Likely Pathogenic.

Counsyl
Classification: Likely pathogenic for Autosomal recessive congenital ichthyosis 1. Last evaluated: 2017-12-20. Review status: no assertion criteria provided. Collection method: clinical testing. Allele origin: unknown. Not counted in ClinVar's aggregate classification.

OMIM
Classification: Pathogenic for ICHTHYOSIS, CONGENITAL, AUTOSOMAL RECESSIVE 1. Last evaluated: 1997-09-01. Review status: no assertion criteria provided. Collection method: literature only. Allele origin: germline. Not counted in ClinVar's aggregate classification.

Literature cited by the submitters: PubMed 30578701 (cited by Natera, Inc.); PubMed 26594337 (cited by 4 submitters); PubMed 28403434 (cited by 4 submitters); PubMed 34671977 (cited by Natera, Inc.); PubMed 9326318 (cited by 5 submitters); PubMed 31631373 (cited by Labcorp Genetics (formerly Invitae), Labcorp); PubMed 34908195 (cited by Women's Health and Genetics/Laboratory Corporation of America, LabCorp).

NM_000359.3(TGM1):c.652G>A (p.Gly218Ser)

Gene: TGM1 (transglutaminase 1; minus strand). Cytogenetic location: 14q12.
Variant type: single nucleotide variant.
Coding change: c.652G>A on transcript NM_000359.3 (MANE Select); coding-DNA position 652, G replaced by A.
Protein change: p.Gly218Ser; replaces glycine 218 with serine.
Molecular consequence: missense variant.
Genome position (GRCh38, 1-based): chr14:24,260,555, C>T on the plus strand (G>A on the coding strand, the complement: TGM1 is on the minus strand). VCF-style: chr14-24260555-C-T. GRCh37 (hg19) VCF-style: chr14-24729761-C-T.
Other names: G217S; short protein forms G218S.
Identifiers: ClinVar variation 12500 (VCV000012500.26), dbSNP rs121918732, ClinGen allele CA256477.